The following is an entry in ClinVar:

ClinVar aggregate classification (germline): Conflicting classifications of pathogenicity. Review status: criteria provided, conflicting classifications (1 of 4 stars). 2 submissions from 2 submitters: Uncertain significance (1); Likely benign (1). Last evaluated 2026-01-01.

Allele frequency attached by ClinVar (database versions not stated): 1000 Genomes Project 0.00060; 1000 Genomes Project 30x 0.00062; ExAC 0.00154; gnomAD 0.00208.
gnomAD v4.1: 4,112 of 1,552,032 alleles (0.26%); highest among the groups gnomAD compares: Non-Finnish European, 0.32%; 11 homozygotes.

Submissions (2):

CeGaT Center for Human Genetics Tuebingen
Classification: Likely benign. Last evaluated: 2026-01-01. Review status: criteria provided, single submitter. Criteria: CeGaT Center For Human Genetics Tuebingen Variant Classification Criteria Version 2. Collection method: clinical testing. Allele origin: germline. Affected: yes. Observed: 2 variant alleles.
Comment: DOCK2: BS2

Ambry Genetics
Classification: Uncertain significance. Last evaluated: 2025-08-26. Review status: criteria provided, single submitter. Criteria: Ambry Variant Classification Scheme 2023. Collection method: clinical testing. Allele origin: germline.

NM_001129891.3(INSYN2B):c.1216C>T (p.Arg406Trp)

Genes: DOCK2 (dedicator of cytokinesis 2; plus strand), INSYN2B (inhibitory synaptic factor family member 2B; minus strand). Cytogenetic location: 5q35.1.
Variant type: single nucleotide variant.
Coding change: c.1216C>T on transcript NM_001129891.3 (MANE Select); coding-DNA position 1216, C replaced by T.
Protein change: p.Arg406Trp; replaces arginine 406 with tryptophan.
Molecular consequence: missense variant. On other transcripts: intron variant (1).
Genome position (GRCh38, 1-based): chr5:169,882,683, G>A on the plus strand (C>T on the coding strand, the complement: INSYN2B is on the minus strand). VCF-style: chr5-169882683-G-A. GRCh37 (hg19) VCF-style: chr5-169309687-G-A.
Other names: c.1216C>T (NM_001129891.1); c.1216C>T, p.Arg406Trp (NM_001346304.2); c.2799+41831G>A (NM_004946.3); short protein forms R406W.
Identifiers: ClinVar variation 2656065 (VCV002656065.25), dbSNP rs187220094, ClinGen allele CA3553909.